The following is an entry in ClinVar:

ClinVar aggregate classification (germline): Pathogenic. Review status: criteria provided, multiple submitters, no conflicts (2 of 4 stars). 2 submissions from 2 submitters: Pathogenic (2). Last evaluated 2024-09-16.

Conditions:
Hereditary cancer-predisposing syndrome. Also called: Neoplastic Syndromes, Hereditary; Hereditary Cancer Syndrome; Hereditary neoplastic syndrome; Tumor predisposition. Identifiers: Orphanet 140162, MedGen C0027672, MeSH D009386, MONDO:0015356.

Submissions (2):

Ambry Genetics
Classification: Pathogenic for Hereditary cancer-predisposing syndrome. Last evaluated: 2024-09-16. Review status: criteria provided, single submitter. Criteria: Ambry Variant Classification Scheme 2023. Collection method: clinical testing. Allele origin: germline.
Comment: The c.444_448delAAGTA pathogenic mutation, located in coding exon 3 of the MSH3 gene, results from a deletion of 5 nucleotides at nucleotide positions 444 to 448, causing a translational frameshift with a predicted alternate stop codon (p.R150Pfs*17). This variant is considered to be rare based on population cohorts in the Genome Aggregation Database (gnomAD). This alteration is expected to result in loss of function by premature protein truncation or nonsense-mediated mRNA decay. As such, this alteration is interpreted as a disease-causing mutation.

Labcorp Genetics (formerly Invitae), Labcorp
Classification: Pathogenic. Last evaluated: 2023-08-05. Review status: criteria provided, single submitter. Criteria: Invitae Variant Classification Sherloc (09022015). Collection method: clinical testing. Allele origin: germline.
Comment: This sequence change creates a premature translational stop signal (p.Arg150Profs*17) in the MSH3 gene. It is expected to result in an absent or disrupted protein product. Loss-of-function variants in MSH3 are known to be pathogenic (PMID: 27476653, 37402566). This variant is not present in population databases (gnomAD no frequency). This variant has not been reported in the literature in individuals affected with MSH3-related conditions. For these reasons, this variant has been classified as Pathogenic.

Literature cited by the submitters: PubMed 27476653 (cited by Labcorp Genetics (formerly Invitae), Labcorp); PubMed 37402566 (cited by Labcorp Genetics (formerly Invitae), Labcorp).

NM_002439.5(MSH3):c.444_448del (p.Arg150fs)

Gene: MSH3 (mutS homolog 3; plus strand). Cytogenetic location: 5q14.1.
Variant type: Deletion.
Coding change: c.444_448del on transcript NM_002439.5 (MANE Select); coding-DNA positions 444 to 448, 5 bases deleted (AAGTA; older notation c.444_448delAAGTA).
Protein change: p.Arg150fs; shifts the reading frame from arginine 150.
Molecular consequence: frameshift variant.
Genome position (GRCh38, 1-based): chr5:80,665,228-80,665,232, AAGTA deleted; deleting any 5 consecutive bases within chr5:80,665,227-80,665,232 gives the same sequence; the c. name uses the placement nearest the transcript's 3' end. VCF-style (leftmost placement, unchanged base first): chr5-80665226-CAAAGT-C. GRCh37 (hg19) VCF-style: chr5-79961045-CAAAGT-C.
Other names: c.444_448delAAGTA (NM_002439.3); short protein forms R150fs.
Identifiers: ClinVar variation 2841115 (VCV002841115.4), dbSNP rs2546717440, ClinGen allele CA2739274805.
Genomic context (GRCh38, chr5:80,665,226, plus strand): 5'-AGGAATGTTTCAAAGTCTCTGGAAAAATTGAAAGAATTCTGCTGCGATTCTGCCCTTCCT[CAAAGT>C]AGAGTCCAGACAGAATCTCTGCAGGAGAGATTTGCAGTTCTGCCAAAATGTACTGATTTT-3'